The following is an entry in ClinVar:

NM_006015.6(ARID1A):c.4101+6del

Gene: ARID1A (AT-rich interaction domain 1A; plus strand). Cytogenetic location: 1p36.11.
Variant type: Deletion.
Coding change: c.4101+6del on transcript NM_006015.6 (MANE Select); 6 bases into the intron after coding-DNA position 4101, one base deleted (G; older notation c.4101+6delG).
Molecular consequence: intron variant.
Genome position (GRCh38, 1-based): chr1:26,773,904, G deleted; the last of 2 consecutive G bases (chr1:26,773,903-26,773,904); deleting either gives the same sequence. VCF-style (leftmost placement, unchanged base first): chr1-26773902-AG-A. GRCh37 (hg19) VCF-style: chr1-27100393-AG-A.
Other names: c.4101+6del (NM_139135.4).
Identifiers: ClinVar variation 3000889 (VCV003000889.3), dbSNP rs1218572815, ClinGen allele CA416967822.
Genomic context (GRCh38, chr1:26,773,902, plus strand): 5'-CCTTCTGGCAGCCCCTTCCCCAGCCAGCAGACTACAATGTATCAACAGCAACAGCAGGTG[AG>A]GAGGGTAGCTGGGAATGGACTGGCATGCAGGTTCGCCTTGAAAACTAGTTAGTAAACTAA-3'

ClinVar aggregate classification (germline): Uncertain significance (1 of 4 stars; one submission).

Submission:

Labcorp Genetics (formerly Invitae), Labcorp
Classification: Uncertain significance. Last evaluated: 2025-06-29. Review status: criteria provided, single submitter. Criteria: Invitae Variant Classification Sherloc (09022015). Collection method: clinical testing. Allele origin: germline.
Comment: This sequence change falls in intron 17 of the ARID1A gene. It does not directly change the encoded amino acid sequence of the ARID1A protein. It affects a nucleotide within the consensus splice site. This variant is present in population databases (no rsID available, gnomAD 0.0009%). This variant has not been reported in the literature in individuals affected with ARID1A-related conditions. ClinVar contains an entry for this variant (Variation ID: 3000889). Variants that disrupt the consensus splice site are a relatively common cause of aberrant splicing (PMID: 17576681, 9536098). Algorithms developed to predict the effect of sequence changes on RNA splicing suggest that this variant is not likely to affect RNA splicing. In summary, the available evidence is currently insufficient to determine the role of this variant in disease. Therefore, it has been classified as a Variant of Uncertain Significance.

Literature cited by the submitters: PubMed 17576681; PubMed 9536098.